The following is an entry in ClinVar:

ClinVar aggregate classification (germline): Benign/Likely benign. Review status: criteria provided, multiple submitters, no conflicts (2 of 4 stars). 3 submissions from 3 submitters: Benign (1); Likely benign (2). Last evaluated 2026-07-30.

Conditions:
Hereditary pheochromocytoma and paraganglioma. Also called: Hereditary paragangliomas and pheochromocytomas; Hereditary Paraganglioma-Pheochromocytoma Syndromes; Hereditary pheochromocytoma-paraganglioma. Identifiers: Orphanet 29072, MedGen C4274332, MONDO:0017366.
Hereditary cancer-predisposing syndrome. Also called: Hereditary Cancer Syndrome; Hereditary neoplastic syndrome; Neoplastic Syndromes, Hereditary; Tumor predisposition. Identifiers: Orphanet 140162, MedGen C0027672, MeSH D009386, MONDO:0015356.

gnomAD v4.1: 5 of 1,614,016 alleles (0.00031%); highest among the groups gnomAD compares: African/African-American, 0.0067%; no homozygotes.

Submissions (3):

Myriad Genetics, Inc.
Classification: Benign for Hereditary pheochromocytoma and paraganglioma. Last evaluated: 2026-07-30. Review status: criteria provided, single submitter. Criteria: Myriad Autosomal Dominant, Autosomal Recessive and X-Linked Classification Criteria (2023). Collection method: clinical testing. Allele origin: unknown.
Comment: This variant is considered benign. This variant is a silent/synonymous amino acid change and it is not expected to impact splicing.

Labcorp Genetics (formerly Invitae), Labcorp
Classification: Likely benign for Hereditary pheochromocytoma and paraganglioma. Last evaluated: 2025-08-05. Review status: criteria provided, single submitter. Criteria: Invitae Variant Classification Sherloc (09022015). Collection method: clinical testing. Allele origin: germline.

Ambry Genetics
Classification: Likely benign for Hereditary cancer-predisposing syndrome. Last evaluated: 2024-09-30. Review status: criteria provided, single submitter. Criteria: Ambry Variant Classification Scheme 2023. Collection method: clinical testing. Allele origin: germline.

NM_017849.4(TMEM127):c.633C>G (p.Leu211=)

Gene: TMEM127 (transmembrane protein 127; minus strand). Cytogenetic location: 2q11.2.
Variant type: single nucleotide variant.
Coding change: c.633C>G on transcript NM_017849.4 (MANE Select); coding-DNA position 633, C replaced by G.
Protein change: p.Leu211=; no amino-acid change (leucine 211 retained).
Molecular consequence: synonymous variant.
Genome position (GRCh38, 1-based): chr2:96,253,892, G>C on the plus strand (C>G on the coding strand, the complement: TMEM127 is on the minus strand). VCF-style: chr2-96253892-G-C. GRCh37 (hg19) VCF-style: chr2-96919630-G-C.
Other names: c.633C>G, p.Leu211= (NM_001193304.3); c.633C>G (NM_017849.3).
Identifiers: ClinVar variation 1160760 (VCV001160760.11), dbSNP rs368792184, ClinGen allele CA427807786.